The following is an entry in ClinVar:

ClinVar aggregate classification (germline): Uncertain significance (1 of 4 stars; one submission).

Conditions:
Landau-Kleffner syndrome (FESD). Also called: APHASIA, ACQUIRED, WITH EPILEPSY; EPILEPSY, FOCAL, WITH SPEECH DISORDER AND WITH OR WITHOUT MENTAL RETARDATION. Identifiers: Orphanet 1945, Orphanet 725, Orphanet 98818, MedGen C0282512, MONDO:0009509, OMIM 245570.

Submission:

Baylor Genetics
Classification: Uncertain significance for Landau-Kleffner syndrome. Last evaluated: 2020-05-05. Review status: criteria provided, single submitter. Criteria: ACMG Guidelines, 2015. Collection method: clinical testing. Allele origin: unknown. Affected: yes.
Comment: This variant was determined to be of uncertain significance according to ACMG Guidelines, 2015 [PMID:25741868].

NM_001134407.3(GRIN2A):c.1087G>T (p.Val363Leu)

Gene: GRIN2A (glutamate ionotropic receptor NMDA type subunit 2A; minus strand). Cytogenetic location: 16p13.2.
Variant type: single nucleotide variant.
Coding change: c.1087G>T on transcript NM_001134407.3 (MANE Select); coding-DNA position 1087, G replaced by T.
Protein change: p.Val363Leu; replaces valine 363 with leucine.
Molecular consequence: missense variant.
Genome position (GRCh38, 1-based): chr16:9,891,021, C>A on the plus strand (G>T on the coding strand, the complement: GRIN2A is on the minus strand). VCF-style: chr16-9891021-C-A. GRCh37 (hg19) VCF-style: chr16-9984878-C-A.
Other names: c.1087G>T, p.Val363Leu (NM_000833.5, NM_001134408.2); short protein forms V363L.
Identifiers: ClinVar variation 1028875 (VCV001028875.1), dbSNP rs2043684301, ClinGen allele CA394797444.